The following is an entry in ClinVar:

NM_001367624.2(ZNF469):c.9249C>G (p.Ser3083Arg)

Gene: ZNF469 (zinc finger protein 469; plus strand). Cytogenetic location: 16q24.2.
Variant type: single nucleotide variant.
Coding change: c.9249C>G on transcript NM_001367624.2 (MANE Select); coding-DNA position 9249, C replaced by G.
Protein change: p.Ser3083Arg; replaces serine 3083 with arginine.
Molecular consequence: missense variant.
Genome position (GRCh38, 1-based): chr16:88,436,719, C>G. VCF-style: chr16-88436719-C-G. GRCh37 (hg19) VCF-style: chr16-88503127-C-G.
Other names: NM_001127464.1:c.9165C>G; short protein forms S3083R.
Identifiers: ClinVar variation 1404761 (VCV001404761.5), dbSNP rs1475786487, ClinGen allele CA397121593.
Genomic context (GRCh38, chr16:88,436,719, plus strand): 5'-CTTTGAAGACCCCGTGGGTCTCCCCGGCCCCAGCTTCTTAGACTTCGAGGGCACGGCGAG[C>G]TCACAGGGGCCACAGAGCCGAAGGACAGAGGAGGCTGCAGGGGCAGGGAGGGCCCAAGGC-3'
Protein context (NP_001354553.1, residues 3073-3093): PSFLDFEGTA[Ser3083Arg]SQGPQSRRTE

ClinVar aggregate classification (germline): Uncertain significance. Review status: criteria provided, multiple submitters, no conflicts (2 of 4 stars). 3 submissions from 3 submitters: Uncertain significance (3). Last evaluated 2025-11-26.

Conditions:
Cardiovascular phenotype. Identifiers: MedGen CN230736.

gnomAD v4.1: 17 of 1,549,056 alleles (0.0011%); highest among the groups gnomAD compares: South Asian, 0.0036%; no homozygotes.

Submissions (3):

Women's Health and Genetics/Laboratory Corporation of America, LabCorp
Classification: Uncertain significance. Last evaluated: 2025-11-26. Review status: criteria provided, single submitter. Criteria: LabCorp Variant Classification Summary - May 2015. Collection method: clinical testing. Allele origin: germline.
Comment: Variant summary: ZNF469 c.9249C>G (p.Ser3083Arg) results in a non-conservative amino acid change in the encoded protein sequence. Algorithms developed to predict the effect of missense changes on protein structure and function are either unavailable or do not agree on the potential impact of this missense change. The variant allele was found at a frequency of 6.7e-06 in 150112 control chromosomes. The available data on variant occurrences in the general population are insufficient to allow any conclusion about variant significance. To our knowledge, no occurrence of c.9249C>G in individuals affected with ZNF469-related conditions and no experimental evidence demonstrating its impact on protein function have been reported. ClinVar contains an entry for this variant (Variation ID: 1404761). Based on the evidence outlined above, the variant was classified as uncertain significance.

Ambry Genetics
Classification: Uncertain significance for Cardiovascular phenotype. Last evaluated: 2023-12-16. Review status: criteria provided, single submitter. Criteria: Ambry Variant Classification Scheme 2023. Collection method: clinical testing. Allele origin: germline.
Comment: The p.S3055R variant (also known as c.9165C>G), located in coding exon 2 of the ZNF469 gene, results from a C to G substitution at nucleotide position 9165. The serine at codon 3055 is replaced by arginine, an amino acid with dissimilar properties. This amino acid position is conserved. In addition, this alteration is predicted to be tolerated by in silico analysis. Since supporting evidence is limited at this time, the clinical significance of this alteration remains unclear.

Labcorp Genetics (formerly Invitae), Labcorp
Classification: Uncertain significance. Last evaluated: 2022-07-19. Review status: criteria provided, single submitter. Criteria: Invitae Variant Classification Sherloc (09022015). Collection method: clinical testing. Allele origin: germline.
Comment: This sequence change replaces serine, which is neutral and polar, with arginine, which is basic and polar, at codon 3055 of the ZNF469 protein (p.Ser3055Arg). This variant is present in population databases (no rsID available, gnomAD 0.004%). This variant has not been reported in the literature in individuals affected with ZNF469-related conditions. ClinVar contains an entry for this variant (Variation ID: 1404761). Algorithms developed to predict the effect of missense changes on protein structure and function are either unavailable or do not agree on the potential impact of this missense change (SIFT: "Deleterious"; PolyPhen-2: "Benign"; Align-GVGD: "Class C0"). In summary, the available evidence is currently insufficient to determine the role of this variant in disease. Therefore, it has been classified as a Variant of Uncertain Significance.